The following is an entry in ClinVar:

ClinVar aggregate classification (germline): Uncertain significance (1 of 4 stars; one submission).

Allele frequency attached by ClinVar (database versions not stated): ExAC 0.00001; gnomAD exomes 0.00001.
gnomAD v4.1: 3 of 1,613,872 alleles (0.00019%); highest among the groups gnomAD compares: Non-Finnish European, 0.00025%; no homozygotes.

Submission:

Labcorp Genetics (formerly Invitae), Labcorp
Classification: Uncertain significance. Last evaluated: 2024-01-09. Review status: criteria provided, single submitter. Criteria: Invitae Variant Classification Sherloc (09022015). Collection method: clinical testing. Allele origin: germline.
Comment: This sequence change replaces histidine, which is basic and polar, with arginine, which is basic and polar, at codon 508 of the NACC1 protein (p.His508Arg). This variant is present in population databases (rs773850440, gnomAD 0.0009%). This variant has not been reported in the literature in individuals affected with NACC1-related conditions. Advanced modeling of protein sequence and biophysical properties (such as structural, functional, and spatial information, amino acid conservation, physicochemical variation, residue mobility, and thermodynamic stability) performed at Invitae indicates that this missense variant is not expected to disrupt NACC1 protein function with a negative predictive value of 80%. In summary, the available evidence is currently insufficient to determine the role of this variant in disease. Therefore, it has been classified as a Variant of Uncertain Significance.

NM_052876.4(NACC1):c.1523A>G (p.His508Arg)

Gene: NACC1 (nucleus accumbens associated 1; plus strand). Cytogenetic location: 19p13.13.
Variant type: single nucleotide variant.
Coding change: c.1523A>G on transcript NM_052876.4 (MANE Select); coding-DNA position 1523, A replaced by G.
Protein change: p.His508Arg; replaces histidine 508 with arginine.
Molecular consequence: missense variant.
Genome position (GRCh38, 1-based): chr19:13,138,345, A>G. VCF-style: chr19-13138345-A-G. GRCh37 (hg19) VCF-style: chr19-13249159-A-G.
Other names: short protein forms H508R.
Identifiers: ClinVar variation 2778581 (VCV002778581.3), dbSNP rs773850440, ClinGen allele CA9238544.